The following is an entry in ClinVar:

ClinVar aggregate classification (germline): Uncertain significance (1 of 4 stars; one submission).

Conditions:
Charcot-Marie-Tooth disease type 2. Also called: Charcot-Marie-Tooth type 2. Identifiers: Orphanet 64746, MedGen C0270914, MONDO:0018993.

Submission:

Labcorp Genetics (formerly Invitae), Labcorp
Classification: Uncertain significance for Charcot-Marie-Tooth disease type 2. Last evaluated: 2022-07-12. Review status: criteria provided, single submitter. Criteria: Invitae Variant Classification Sherloc (09022015). Collection method: clinical testing. Allele origin: germline.
Comment: In summary, the available evidence is currently insufficient to determine the role of this variant in disease. Therefore, it has been classified as a Variant of Uncertain Significance. Advanced modeling of protein sequence and biophysical properties (such as structural, functional, and spatial information, amino acid conservation, physicochemical variation, residue mobility, and thermodynamic stability) performed at Invitae indicates that this missense variant is expected to disrupt MFN2 protein function. ClinVar contains an entry for this variant (Variation ID: 1358907). This variant has not been reported in the literature in individuals affected with MFN2-related conditions. This variant is not present in population databases (gnomAD no frequency). This sequence change replaces leucine, which is neutral and non-polar, with methionine, which is neutral and non-polar, at codon 673 of the MFN2 protein (p.Leu673Met).

NM_014874.4(MFN2):c.2017C>A (p.Leu673Met)

Gene: MFN2 (mitofusin 2; plus strand). Cytogenetic location: 1p36.22.
Variant type: single nucleotide variant.
Coding change: c.2017C>A on transcript NM_014874.4 (MANE Select); coding-DNA position 2017, C replaced by A.
Protein change: p.Leu673Met; replaces leucine 673 with methionine.
Molecular consequence: missense variant.
Genome position (GRCh38, 1-based): chr1:12,007,197, C>A. VCF-style: chr1-12007197-C-A. GRCh37 (hg19) VCF-style: chr1-12067254-C-A.
Other names: c.2017C>A, p.Leu673Met (NM_001127660.2); short protein forms L673M.
Identifiers: ClinVar variation 1358907 (VCV001358907.6), dbSNP rs2100858641, ClinGen allele CA338451566.